The following is an entry in ClinVar:

NM_001040113.2(MYH11):c.5819del (p.Pro1940fs)

Genes: MYH11 (myosin heavy chain 11; minus strand), NDE1 (nudE neurodevelopment protein 1; plus strand). Cytogenetic location: 16p13.11.
Variant type: Deletion.
Coding change: c.5819del on transcript NM_001040113.2 (MANE Plus Clinical); coding-DNA position 5819, one base deleted (C; older notation c.5819delC).
Protein change: p.Pro1940fs; shifts the reading frame from proline 1940.
Molecular consequence: frameshift variant. On other transcripts: intron variant (4).
Genome position (GRCh38, 1-based): chr16:15,708,830, G deleted on the plus strand (C on the coding strand, the reverse complement: MYH11 is on the minus strand); the first of 8 consecutive G bases (chr16:15,708,830-15,708,837); deleting any one gives the same sequence. VCF-style (leftmost placement, unchanged base first): chr16-15708829-TG-T. GRCh37 (hg19) VCF-style: chr16-15802686-TG-T.
Other names: c.5798del, p.Pro1933fs (NM_022844.3); c.947+11977del (NM_001143979.2, NM_017668.3); c.5787-4707del (NM_002474.3); c.5808-4707del (NM_001040114.2); c.5819delC (NM_001040113.2); short protein forms P1933fs, P1940fs.
Identifiers: ClinVar variation 627645 (VCV000627645.19), dbSNP rs747392139, ClinGen allele CA7921103.

ClinVar aggregate classification (germline): Conflicting classifications of pathogenicity. Review status: criteria provided, conflicting classifications (1 of 4 stars). 10 submissions from 10 submitters: Likely pathogenic (6); Uncertain significance (2). 2 of the submissions do not count toward it. Last evaluated 2026-04-16.

Conditions:
Aortic aneurysm, familial thoracic 4 (AAT4). Also called: AORTIC ANEURYSM/AORTIC DISSECTION AND PATENT DUCTUS ARTERIOSUS. Identifiers: MedGen C1851504, MONDO:0007568, OMIM 132900.
MYH11-related disorder. Also called: MYH11-related condition.
Visceral myopathy 2. Identifiers: MedGen C5543466, MONDO:0859157, OMIM 619350.
Chronic intestinal pseudoobstruction. Also called: Chronic Intestinal Pseudoobstruction (CIPO). Identifiers: Orphanet 2978, MedGen C0238062, MONDO:0017574.

Submissions (10):

Institute of Medical Genetics and Applied Genomics, University Hospital Tübingen
Classification: Likely pathogenic for Visceral myopathy 2. Last evaluated: 2026-04-16. Review status: criteria provided, single submitter. Criteria: ACMG Guidelines, 2015. Collection method: clinical testing. Allele origin: germline. Inheritance: Autosomal dominant inheritance. Affected: yes.

Variantyx, Inc.
Classification: Likely pathogenic for Visceral myopathy 2. Last evaluated: 2025-03-20. Review status: criteria provided, single submitter. Criteria: Variantyx Assertion Criteria 2022. Collection method: clinical testing. Allele origin: germline. Inheritance: Autosomal dominant inheritance.
Comment: This is a frameshift variant in the MYH11 gene (OMIM: 160745). Pathogenic variants in this gene have been associated with autosomal dominant visceral myopathy 2. This alteration results in loss of the termination codon leading to an elongated protein (PM4). This variant has a 0.0068% maximum allele frequency in non-founder control populations (PM2). It lies within a known hotspot for pathogenic variants or a well-established critical functional domain of the MYH11 protein (PMID: 10998642, 16444274, 31389005) (PM1). This variant has been observed to segregate with disease in at least 10 individuals from 2 families (PMID: 31389005) (PP1_Strong). Based on the current evidence, this variant is classified as likely pathogenic for autosomal dominant visceral myopathy 2.

Labcorp Genetics (formerly Invitae), Labcorp
Classification: Uncertain significance for Aortic aneurysm, familial thoracic 4. Last evaluated: 2024-12-08. Review status: criteria provided, single submitter. Criteria: Invitae Variant Classification Sherloc (09022015). Collection method: clinical testing. Allele origin: germline.
Comment: This sequence change results in a frameshift in the MYH11 gene (p.Pro1940Hisfs*91). While this is not anticipated to result in nonsense mediated decay, it is expected to disrupt the last 6 amino acid(s) of the MYH11 protein and extend the protein by 84 additional amino acid residues. The frequency data for this variant in the population databases is considered unreliable, as metrics indicate poor data quality at this position in the gnomAD database. This frameshift has been observed in individual(s) with Chronic Intestinal Pseudo-Obstruction (CIPO) (PMID: 31389005, 31536524, 31944481, 33144682, 36579105, 37288276). It has also been observed to segregate with disease in related individuals. ClinVar contains an entry for this variant (Variation ID: 627645). Experimental studies and prediction algorithms are not available or were not evaluated, and the functional significance of this variant is currently unknown. In summary, the available evidence is currently insufficient to determine the role of this variant in disease. Therefore, it has been classified as a Variant of Uncertain Significance.

PreventionGenetics, part of Exact Sciences
Classification: Likely pathogenic for MYH11-related condition. Last evaluated: 2022-09-14. Review status: criteria provided, single submitter. Criteria: ACMG Guidelines, 2015. Collection method: clinical testing. Allele origin: germline.
Comment: The MYH11 c.5819delC variant is predicted to result in a frameshift and premature protein termination (p.Pro1940Hisfs*91). This variant occurs near the c-terminus and the frameshift causes an extension of the coding region beyond the native stop codon. In an alternate transcript (NM_022844.2), this variant is known as c.5798delC (p.Pro1933Hisfs*91) and has been reported in patients with Marfan syndrome (S1 Table Gentilini et al. 2019. PubMed ID: 31536524). This variant was also found to segregate in a dominant manner in seven family members with chronic intestinal pseudo-obstruction (CIPO) (Family RQ6654 in Dong et al. 2019. PubMed ID: 31389005). In addition, this variant was found in a patient from a second family with several members with gastrointestinal dysmotility issues; however, genetic testing was preformed only on the proband (Family 2, Gilbert et al. 2020. PubMed ID: 31944481). This variant is reported in 0.011% of alleles in individuals of East Asian descent in gnomAD; however, this variant failed to pass quality metrics in gnomAD and allele frequencies may be unreliable. Of note, a second variant impacting the same genetic locus (p.Gln1941Asnfs*91), and also leading to an extension of the coding sequence, was found to segregate in another family with gastrointestinal motility disorder (Family 1, Gilbert et al. 2020. PubMed ID: 31944481). Based on this evidence, we interpret the c.5819delC (p.Pro1940Hisfs*91) variant as likely pathogenic.

MGZ Medical Genetics Center
Classification: Likely pathogenic for Visceral myopathy 2. Last evaluated: 2022-09-05. Review status: criteria provided, single submitter. Criteria: ACMG Guidelines, 2015. Collection method: clinical testing. Allele origin: germline. Affected: yes. Observed: 5 variant alleles.
Comment: ACMG criteria applied: PP1_STR, PS4_MOD, PM2_SUP

GeneDx
Classification: Uncertain significance. Last evaluated: 2022-03-14. Review status: criteria provided, single submitter. Criteria: GeneDx Variant Classification Process June 2021. Collection method: clinical testing. Allele origin: germline. Affected: yes.
Comment: Identified by exome sequencing in a proband and multiple affected family members with chronic intestinal pseudo-obstruction in published literature and not observed in 3 unaffected relatives; reported in primary transcript of MYH11 (Dong et al., 2019); Normal stop codon changed to a Histidine codon, leading to the last 6 amino acids being replaced by 90 incorrect amino acids at the C-terminus; This variant is associated with the following publications: (PMID: 18796164, 18391202, 31536524, 31389005, 31944481, 33144682)

Victorian Clinical Genetics Services, Murdoch Childrens Research Institute
Classification: Likely pathogenic for Chronic intestinal pseudoobstruction. Last evaluated: 2020-10-19. Review status: criteria provided, single submitter. Criteria: ACMG Guidelines, 2015. Collection method: clinical testing. Allele origin: germline. Inheritance: Autosomal dominant inheritance.
Comment: Based on the classification scheme VCGS_Germline_v1.3.3, this variant is classified as Likely pathogenic. Following criteria are met: 0102 - Loss of function is a known mechanism of disease in this gene and is associated with megacystis-microcolon-intestinal-hypoperistalsis syndrome (MMIHS). CIPO and familial thoracic aortic aneurysm 4 (MIM#132900) are caused by variants of unknown mechanism. Dominant negative is a suggested mechanism of disease (PMID: 31389005, PMID: 31944481). (I) 0108 - This gene is associated with both recessive and dominant disease. MMIHS is a recessive form of disease caused by both missense variants and those resulting in a premature termination codon. Familial thoracic aortic aneurysm 4 has been reported in patients with splice, missense and inframe deletion variants. CIPO has only been reported in patients with protein elongation variants exclusive to isoform SM2 (PMID: 31389005, PMID: 31944481). (I) 0208 - Variant is predicted to result in an elongated protein. (SP) 0219 - This variant is non-coding in an alternative transcript. This variant is non-coding in the predominantly reported transcript (ClinVar), but is protein coding in isoform SM2 (NCBI, UCSC). (I) 0251 - This variant is heterozygous. (I) 0302 - Variant is present in gnomAD (v2) <0.001 for a dominant condition (16 heterozygotes, 0 homozygotes) however, the region has low quality. (SP) 0604 - Variant is not located in an established domain, motif, hotspot or informative constraint region. (I) 0704 - Another protein elongation variant comparable to the one identified in this case has limited previous evidence for pathogenicity. This variant (p.Gln1941Asnfs*91) has been reported as likely pathogenic and observed in a single family with a dysmotility syndrome with severe esophageal, gastric and intestinal disease. It has also been described as likely benign for aortic aneurysm (PMID: 31944481, ClinVar). An additional protein elongation variant (p.Gln1941Thrfs*20) has been reported as likely benign, a VUS and benign however, this classification is in reference to an aortopathy phenotype only (ClinVar). (SP) 0808 - Previous reports of pathogenicity for this variant are conflicting. This variant has been reported as both a VUS and likely pathogenic (ClinVar, LOVD), but has been reported in a large family with CIPO and a single patient with severe esophageal, gastric and colonic dysmotility (PMID: 31389005, PMID: 31944481). (I) 0901 - This variant has strong evidence for segregation with disease. This variant was observed in seven affected patients in a single family with chronic intestinal pseudo-obstruction (CIPO) (PMID: 31389005). (SP) 1002 - This variant has moderate functional evidence supporting abnormal protein function. In vitro studies demonstrated that while wildtype actin was only motile when phosphorylated, mutant actin expressing this variant was observed to be motile when both phosphorylated and unphosphorylated (PMID: 18391202). (SP) 1208 - Inheritance information for this variant is not currently available in this individual. (I) Legend: (SP) - Supporting pathogenic, (I) - Information, (SB) - Supporting benign

Seattle Children's Hospital Molecular Genetics Laboratory, Seattle Children's Hospital
Classification: Likely pathogenic for Visceral myopathy 2. Review status: criteria provided, single submitter. Criteria: ACMG Guidelines, 2015. Collection method: clinical testing. Allele origin: germline. Affected: yes.
Comment: The p.Pro1940Hisfs*91 variant detected here only impacts isoform SM2. It occurs in the last coding exon (exon 42 of 43, NM_001040113) and results in a frameshift at position 1940, 5 amino acids away from the canonical stop codon. It is predicted to cause protein elongation followed by a stop codon after 91 amino acids. The p.Pro1940Hisfs*91 variant is also present in large population studies at low frequencies. The p.Pro1940Hisfs*91 variant has been reported in individuals with gastrointestinal dysmotility (PMID: 31389005, 31944481, 37288276)

OMIM
Classification: Pathogenic for VISCERAL MYOPATHY 2. Last evaluated: 2025-06-13. Review status: no assertion criteria provided. Collection method: literature only. Allele origin: germline. Not counted in ClinVar's aggregate classification.

Center for Human Genetics, Inc
Classification: Likely pathogenic for Chronic intestinal pseudoobstruction. Last evaluated: 2019-05-07. Review status: no assertion criteria provided. Collection method: clinical testing. Allele origin: germline. Inheritance: Autosomal dominant inheritance. Affected: yes. Observed: 7 variant alleles, 7 heterozygotes. Not counted in ClinVar's aggregate classification.
Comment: The c.5819del variation creates a frame shift starting at codon Pro1940. The new reading frame ends in a STOP codon at position 91. This variant was detected in seven members of single family affected with Chronic Intestinal Pseudoobstructionwith (CIPO). Three unaffected members of this family did not carry the variant.

Literature cited by the submitters: PubMed 10998642 (cited by Variantyx, Inc.); PubMed 16444274 (cited by Variantyx, Inc.); PubMed 31389005 (cited by 4 submitters); PubMed 31536524 (cited by Labcorp Genetics (formerly Invitae), Labcorp); PubMed 31944481 (cited by 3 submitters); PubMed 33144682 (cited by Labcorp Genetics (formerly Invitae), Labcorp); PubMed 36579105 (cited by Labcorp Genetics (formerly Invitae), Labcorp); PubMed 37288276 (cited by Labcorp Genetics (formerly Invitae), Labcorp); PubMed 18391202 (cited by Victorian Clinical Genetics Services, Murdoch Childrens Research Institute).